The following is an entry in ClinVar:

ClinVar aggregate classification (germline): Pathogenic (1 of 4 stars; one submission).

Conditions:
Glycogen storage disease, type II (IOPD). Also called: CARDIOMEGALIA GLYCOGENICA DIFFUSA; GLYCOGENOSIS, GENERALIZED, CARDIAC FORM; GSD II; Glycogen storage disease type 2; Acid maltase deficiency disease; Aglucosidase alfa. Identifiers: Orphanet 365, MedGen C0017921, MONDO:0009290, OMIM 232300.

Submission:

Myriad Genetics, Inc.
Classification: Pathogenic for Glycogen storage disease, type II. Last evaluated: 2024-05-10. Review status: criteria provided, single submitter. Criteria: Myriad Autosomal Dominant, Autosomal Recessive and X-Linked Classification Criteria (2023). Collection method: clinical testing. Allele origin: unknown.
Comment: NM_000152.3(GAA):c.1167_1168delGA(N390Hfs*115) is expected to be pathogenic in the context of Pompe disease. This variant is predicted to lead to an abnormal or absent protein product due to the creation of a premature termination codon in GAA, a gene where loss-of-function variants are known to be pathogenic. Please note: this variant was assessed in the context of healthy population screening.

NM_000152.5(GAA):c.1167_1168del (p.Asn390fs)

Gene: GAA (alpha glucosidase; plus strand). Cytogenetic location: 17q25.3.
Variant type: Microsatellite.
Coding change: c.1167_1168del on transcript NM_000152.5 (MANE Select); coding-DNA positions 1167 to 1168, 2 bases deleted (GA; older notation c.1167_1168delGA).
Protein change: p.Asn390fs; shifts the reading frame from asparagine 390.
Molecular consequence: frameshift variant.
Genome position (GRCh38, 1-based): chr17:80,108,580-80,108,581, GA deleted; deleting any 2 consecutive bases within chr17:80,108,578-80,108,581 gives the same sequence; the c. name uses the placement nearest the transcript's 3' end. VCF-style (leftmost placement, unchanged base first): chr17-80108577-GGA-G. GRCh37 (hg19) VCF-style: chr17-78082376-GGA-G.
Other names: c.1167_1168del, p.Asn390fs (NM_001079803.3, NM_001079804.3, NM_001406741.1 and 1 more transcripts); short protein forms N390fs.
Identifiers: ClinVar variation 5013027 (VCV005013027.1).